The following is an entry in ClinVar:

ClinVar aggregate classification (germline): Pathogenic/Likely pathogenic. Review status: criteria provided, multiple submitters, no conflicts (2 of 4 stars). 3 submissions from 3 submitters: Pathogenic (1); Likely pathogenic (1). 1 of the submissions does not count toward it. Last evaluated 2022-09-27.

Conditions:
Neurofibromatosis, type 1 (NF1). Also called: VON RECKLINGHAUSEN DISEASE; NEUROFIBROMATOSIS, TYPE I, SOMATIC; Peripheral type neurofibromatosis; Neurofibromatosis, type I. Identifiers: Orphanet 636, MedGen C0027831, MONDO:0018975, OMIM 162200. Disease mechanism: loss of function.

Submissions (3):

GeneDx
Classification: Likely pathogenic. Last evaluated: 2022-09-27. Review status: criteria provided, single submitter. Criteria: GeneDx Variant Classification Process June 2021. Collection method: clinical testing. Allele origin: germline. Affected: yes.
Comment: In silico analysis supports that this missense variant has a deleterious effect on protein structure/function; Not observed at significant frequency in large population cohorts (gnomAD); Has not been previously published as pathogenic or benign to our knowledge; This variant is associated with the following publications: (PMID: 25486365, 22807134)

Labcorp Genetics (formerly Invitae), Labcorp
Classification: Pathogenic for Neurofibromatosis, type 1. Last evaluated: 2018-02-27. Review status: criteria provided, single submitter. Criteria: Invitae Variant Classification Sherloc (09022015). Collection method: clinical testing. Allele origin: germline.
Comment: For these reasons, this variant has been classified as Pathogenic. This sequence change replaces asparagine with isoleucine at codon 1430 of the NF1 protein (p.Asn1430Ile). The asparagine residue is moderately conserved and there is a large physicochemical difference between asparagine and isoleucine. This variant is not present in population databases (ExAC no frequency). Algorithms developed to predict the effect of missense changes on protein structure and function do not agree on the potential impact of this missense change (SIFT: "Deleterious"; PolyPhen-2: "Possibly Damaging"; Align-GVGD: "Class C0"). Another missense substitution at this codon (p.Asn1430Asp) has been reported in individuals affected with neurofibromatosis type 1 (PMID: 21567923, 27322474).

Center for Human Genetics, Inc
Classification: Uncertain significance for Neurofibromatosis, type 1. Last evaluated: 2016-11-01. Review status: flagged submission. Criteria: ACMG Guidelines, 2015. Collection method: clinical testing. Allele origin: germline. Affected: yes. Not counted in ClinVar's aggregate classification.
ClinVar note: Reason: Older and outlier claim with insufficient supporting evidence

Literature cited by the submitters: PubMed 21567923 (cited by Labcorp Genetics (formerly Invitae), Labcorp); PubMed 27322474 (cited by Labcorp Genetics (formerly Invitae), Labcorp).

NM_001042492.3(NF1):c.4352A>T (p.Asn1451Ile)

Gene: NF1 (neurofibromin 1; plus strand). Cytogenetic location: 17q11.2.
Variant type: single nucleotide variant.
Coding change: c.4352A>T on transcript NM_001042492.3 (MANE Select); coding-DNA position 4352, A replaced by T.
Protein change: p.Asn1451Ile; replaces asparagine 1451 with isoleucine.
Molecular consequence: missense variant.
Genome position (GRCh38, 1-based): chr17:31,259,051, A>T. VCF-style: chr17-31259051-A-T. GRCh37 (hg19) VCF-style: chr17-29586069-A-T.
Other names: c.4289A>T, p.Asn1430Ile (NM_000267.4); short protein forms N1430I, N1451I.
Identifiers: ClinVar variation 457695 (VCV000457695.8), dbSNP rs199474754, ClinGen allele CA398998742.